The following is an entry in ClinVar:

NM_201384.3(PLEC):c.1908G>A (p.Glu636=)

Gene: PLEC (plectin; minus strand). Cytogenetic location: 8q24.3.
Variant type: single nucleotide variant.
Coding change: c.1908G>A on transcript NM_201384.3 (MANE Select); coding-DNA position 1908, G replaced by A.
Protein change: p.Glu636=; no amino-acid change (glutamic acid 636 retained).
Molecular consequence: synonymous variant.
Genome position (GRCh38, 1-based): chr8:143,932,469, C>T on the plus strand (G>A on the coding strand, the complement: PLEC is on the minus strand). VCF-style: chr8-143932469-C-T. GRCh37 (hg19) VCF-style: chr8-145006637-C-T.
Other names: c.1989G>A, p.Glu663= (NM_000445.5, NM_001410941.1); c.1866G>A, p.Glu622= (NM_201378.4); c.1842G>A, p.Glu614= (NM_201379.3); c.2319G>A, p.Glu773= (NM_201380.4); c.1812G>A, p.Glu604= (NM_201381.3); c.1908G>A, p.Glu636= (NM_201382.4); c.1920G>A, p.Glu640= (NM_201383.3).
Identifiers: ClinVar variation 3030851 (VCV003030851.2), dbSNP rs1424171535, ClinGen allele CA463536402.

ClinVar aggregate classification (germline): Likely benign (0 of 4 stars; one submission).

Conditions:
PLEC-related disorder. Also called: PLEC-related condition; PLEC-related disorders.

Allele frequency attached by ClinVar (database versions not stated): gnomAD exomes below 0.00001; TOPMed below 0.00001.
gnomAD v4.1: 1 of 1,612,818 alleles (0.000062%); highest among the groups gnomAD compares: Non-Finnish European, 0.000085%; no homozygotes.

Submission:

PreventionGenetics, part of Exact Sciences
Classification: Likely benign for PLEC-related condition. Last evaluated: 2021-03-19. Review status: no assertion criteria provided. Collection method: clinical testing. Allele origin: germline.
Comment: This variant is classified as likely benign based on ACMG/AMP sequence variant interpretation guidelines (Richards et al. 2015 PMID: 25741868, with internal and published modifications).